The following is an entry in ClinVar:

NM_002691.4(POLD1):c.3208A>C (p.Ile1070Leu)

Gene: POLD1 (DNA polymerase delta 1, catalytic subunit; plus strand). Cytogenetic location: 19q13.33.
Variant type: single nucleotide variant.
Coding change: c.3208A>C on transcript NM_002691.4 (MANE Select); coding-DNA position 3208, A replaced by C.
Protein change: p.Ile1070Leu; replaces isoleucine 1070 with leucine.
Molecular consequence: missense variant. On other transcripts: non-coding transcript variant (1).
Genome position (GRCh38, 1-based): chr19:50,417,259, A>C. VCF-style: chr19-50417259-A-C. GRCh37 (hg19) VCF-style: chr19-50920516-A-C.
Other names: c.3208A>C (NM_002691.2); c.3208A>C, p.Ile1070Leu (NM_001256849.1); c.3286A>C, p.Ile1096Leu (NM_001308632.1); short protein forms I1070L, I1096L.
Identifiers: ClinVar variation 2708878 (VCV002708878.4), dbSNP rs1060501801, ClinGen allele CA406987541.

ClinVar aggregate classification (germline): Uncertain significance. Review status: criteria provided, multiple submitters, no conflicts (2 of 4 stars). 2 submissions from 2 submitters: Uncertain significance (2). Last evaluated 2025-05-02.

Conditions:
POLD1-related polyposis and colorectal cancer syndrome (CRCS10). Also called: Colorectal cancer 10; Colorectal cancer, susceptibility to, 10; COLORECTAL CANCER, SUSCEPTIBILITY TO, ON CHROMOSOME 19q. Identifiers: Orphanet 220460, MedGen C2675481, MONDO:0012953, OMIM 612591.
Hereditary cancer-predisposing syndrome. Also called: Tumor predisposition; Hereditary Cancer Syndrome; Hereditary neoplastic syndrome; Neoplastic Syndromes, Hereditary. Identifiers: Orphanet 140162, MedGen C0027672, MeSH D009386, MONDO:0015356.

Submissions (2):

Ambry Genetics
Classification: Uncertain significance for Hereditary cancer-predisposing syndrome. Last evaluated: 2025-05-02. Review status: criteria provided, single submitter. Criteria: Ambry Variant Classification Scheme 2023. Collection method: clinical testing. Allele origin: germline.
Comment: The p.I1070L variant (also known as c.3208A>C), located in coding exon 25 of the POLD1 gene, results from an A to C substitution at nucleotide position 3208. The isoleucine at codon 1070 is replaced by leucine, an amino acid with highly similar properties. This amino acid position is conserved. In addition, this alteration is predicted to be tolerated by in silico analysis. Based on the available evidence, the clinical significance of this variant remains unclear.

Labcorp Genetics (formerly Invitae), Labcorp
Classification: Uncertain significance for POLD1-related polyposis and colorectal cancer syndrome. Last evaluated: 2024-01-11. Review status: criteria provided, single submitter. Criteria: Invitae Variant Classification Sherloc (09022015). Collection method: clinical testing. Allele origin: germline.
Comment: This sequence change replaces isoleucine, which is neutral and non-polar, with leucine, which is neutral and non-polar, at codon 1070 of the POLD1 protein (p.Ile1070Leu). This variant is not present in population databases (gnomAD no frequency). This variant has not been reported in the literature in individuals affected with POLD1-related conditions. Advanced modeling of protein sequence and biophysical properties (such as structural, functional, and spatial information, amino acid conservation, physicochemical variation, residue mobility, and thermodynamic stability) performed at Invitae indicates that this missense variant is not expected to disrupt POLD1 protein function with a negative predictive value of 80%. In summary, the available evidence is currently insufficient to determine the role of this variant in disease. Therefore, it has been classified as a Variant of Uncertain Significance.